The following is an entry in ClinVar:

NM_012144.4(DNAI1):c.373G>A (p.Asp125Asn)

Gene: DNAI1 (dynein axonemal intermediate chain 1; plus strand). Cytogenetic location: 9p13.3.
Variant type: single nucleotide variant.
Coding change: c.373G>A on transcript NM_012144.4 (MANE Select); coding-DNA position 373, G replaced by A.
Protein change: p.Asp125Asn; replaces aspartic acid 125 with asparagine.
Molecular consequence: missense variant.
Genome position (GRCh38, 1-based): chr9:34,489,434, G>A. VCF-style: chr9-34489434-G-A. GRCh37 (hg19) VCF-style: chr9-34489432-G-A.
Other names: c.373G>A, p.Asp125Asn (NM_001281428.2); c.373G>A (NM_012144.2); short protein forms D125N.
Identifiers: ClinVar variation 1926598 (VCV001926598.5), dbSNP rs752354598, ClinGen allele CA5034026.

ClinVar aggregate classification (germline): Uncertain significance. Review status: criteria provided, multiple submitters, no conflicts (2 of 4 stars). 2 submissions from 2 submitters: Uncertain significance (2). Last evaluated 2025-12-08.

Conditions:
Primary ciliary dyskinesia. Also called: Ciliary dyskinesia. Identifiers: Orphanet 244, MedGen C0008780, MONDO:0016575, HP:0012265.

Allele frequency attached by ClinVar (database versions not stated): gnomAD exomes 0.00002; TOPMed 0.00002; gnomAD 0.00003; ExAC 0.00004.
gnomAD v4.1: 37 of 1,613,668 alleles (0.0023%); highest among the groups gnomAD compares: East Asian, 0.0067%; no homozygotes.

Submissions (2):

Labcorp Genetics (formerly Invitae), Labcorp
Classification: Uncertain significance for Primary ciliary dyskinesia. Last evaluated: 2025-12-08. Review status: criteria provided, single submitter. Criteria: Invitae Variant Classification Sherloc (09022015). Collection method: clinical testing. Allele origin: germline.
Comment: This sequence change replaces aspartic acid, which is acidic and polar, with asparagine, which is neutral and polar, at codon 125 of the DNAI1 protein (p.Asp125Asn). This variant is present in population databases (rs752354598, gnomAD 0.02%). This variant has not been reported in the literature in individuals affected with DNAI1-related conditions. ClinVar contains an entry for this variant (Variation ID: 1926598). Invitae Evidence Modeling of protein sequence and biophysical properties (such as structural, functional, and spatial information, amino acid conservation, physicochemical variation, residue mobility, and thermodynamic stability) indicates that this missense variant is not expected to disrupt DNAI1 protein function with a negative predictive value of 95%. In summary, the available evidence is currently insufficient to determine the role of this variant in disease. Therefore, it has been classified as a Variant of Uncertain Significance.

Ambry Genetics
Classification: Uncertain significance for Primary ciliary dyskinesia. Last evaluated: 2023-11-06. Review status: criteria provided, single submitter. Criteria: Ambry Variant Classification Scheme 2023. Collection method: clinical testing. Allele origin: germline.
Comment: The p.D125N variant (also known as c.373G>A), located in coding exon 5 of the DNAI1 gene, results from a G to A substitution at nucleotide position 373. The aspartic acid at codon 125 is replaced by asparagine, an amino acid with highly similar properties. This amino acid position is conserved. In addition, this alteration is predicted to be tolerated by in silico analysis. Since supporting evidence is limited at this time, the clinical significance of this alteration remains unclear.